The following is an entry in ClinVar:

ClinVar aggregate classification (germline): Uncertain significance (1 of 4 stars; one submission).

Allele frequency attached by ClinVar (database versions not stated): TOPMed below 0.00001.

Submission:

Labcorp Genetics (formerly Invitae), Labcorp
Classification: Uncertain significance. Last evaluated: 2023-07-10. Review status: criteria provided, single submitter. Criteria: Invitae Variant Classification Sherloc (09022015). Collection method: clinical testing. Allele origin: germline.
Comment: Advanced modeling of protein sequence and biophysical properties (such as structural, functional, and spatial information, amino acid conservation, physicochemical variation, residue mobility, and thermodynamic stability) performed at Invitae indicates that this missense variant is not expected to disrupt COL11A1 protein function. This sequence change replaces lysine, which is basic and polar, with methionine, which is neutral and non-polar, at codon 183 of the COL11A1 protein (p.Lys183Met). This variant is not present in population databases (gnomAD no frequency). This variant has not been reported in the literature in individuals affected with COL11A1-related conditions. In summary, the available evidence is currently insufficient to determine the role of this variant in disease. Therefore, it has been classified as a Variant of Uncertain Significance.

NM_001854.4(COL11A1):c.548A>T (p.Lys183Met)

Gene: COL11A1 (collagen type XI alpha 1 chain; minus strand). Cytogenetic location: 1p21.1.
Variant type: single nucleotide variant.
Coding change: c.548A>T on transcript NM_001854.4 (MANE Select); coding-DNA position 548, A replaced by T.
Protein change: p.Lys183Met; replaces lysine 183 with methionine.
Molecular consequence: missense variant. On other transcripts: non-coding transcript variant (1).
Genome position (GRCh38, 1-based): chr1:103,074,721, T>A on the plus strand (A>T on the coding strand, the complement: COL11A1 is on the minus strand). VCF-style: chr1-103074721-T-A. GRCh37 (hg19) VCF-style: chr1-103540277-T-A.
Other names: c.548A>T, p.Lys183Met (NM_001168249.1, NM_001190709.2, NM_080629.3 and 1 more transcripts); short protein forms K183M.
Identifiers: ClinVar variation 2852913 (VCV002852913.3), dbSNP rs1671839259, ClinGen allele CA341166411.
Genomic context (GRCh38, chr1:103,074,721, plus strand): 5'-ATTCCATTGGTATCAACAATTGCTCTCTCACTTCTATCAAGTGGTTTCGTGGTTTTCTTC[T>A]TACAATCAACAATCATTGTCACAGTTTTCTTCTCCACGCTGATTGCTACCCGATGCCACC-3'
Protein context (NP_001845.3, residues 173-193): KKTVTMIVDC[Lys183Met]KKTTKPLDRS